The following is an entry in ClinVar:

ClinVar aggregate classification (germline): Uncertain significance (1 of 4 stars; one submission).

gnomAD v4.1: 3 of 1,539,720 alleles (0.00019%); highest among the groups gnomAD compares: South Asian, 0.0012%; no homozygotes.

Submission:

Mayo Clinic Laboratories, Mayo Clinic
Classification: Uncertain significance. Last evaluated: 2022-04-27. Review status: criteria provided, single submitter. Criteria: ACMG Guidelines, 2015. Collection method: clinical testing. Allele origin: germline. Observed: 1 variant allele.
Comment: PM2_supporting

NM_000260.4(MYO7A):c.2527G>T (p.Val843Leu)

Gene: MYO7A (myosin VIIA; plus strand). Cytogenetic location: 11q13.5.
Variant type: single nucleotide variant.
Coding change: c.2527G>T on transcript NM_000260.4 (MANE Select); coding-DNA position 2527, G replaced by T.
Protein change: p.Val843Leu; replaces valine 843 with leucine.
Molecular consequence: missense variant.
Genome position (GRCh38, 1-based): chr11:77,179,894, G>T. VCF-style: chr11-77179894-G-T. GRCh37 (hg19) VCF-style: chr11-76890940-G-T.
Other names: p.Val843Leu; c.2527G>T, p.Val843Leu (NM_001127180.2); c.2494G>T, p.Val832Leu (NM_001369365.1); short protein forms V832L, V843L.
Identifiers: ClinVar variation 2683161 (VCV002683161.1), dbSNP rs140559111, ClinGen allele CA381941910.